The following is an entry in ClinVar:

ClinVar aggregate classification (germline): Uncertain significance. Review status: criteria provided, multiple submitters, no conflicts (2 of 4 stars). 2 submissions from 2 submitters: Uncertain significance (2). Last evaluated 2024-08-06.

Conditions:
Hermansky-Pudlak syndrome 2 (HPS2). Also called: Platelet defects and oculocutaneous albinism. Identifiers: Orphanet 183678, Orphanet 79430, MedGen C1842362, MONDO:0011997, OMIM 608233.

Allele frequency attached by ClinVar (database versions not stated): TOPMed below 0.00001; ExAC 0.00002; gnomAD exomes 0.00002 and 0.00004.
gnomAD v4.1: 25 of 1,609,732 alleles (0.0016%); highest among the groups gnomAD compares: Middle Eastern, 0.33%; 1 homozygote.

Submissions (2):

Labcorp Genetics (formerly Invitae), Labcorp
Classification: Uncertain significance for Hermansky-Pudlak syndrome 2. Last evaluated: 2024-08-06. Review status: criteria provided, single submitter. Criteria: Invitae Variant Classification Sherloc (09022015). Collection method: clinical testing. Allele origin: germline.
Comment: This sequence change replaces isoleucine, which is neutral and non-polar, with valine, which is neutral and non-polar, at codon 66 of the AP3B1 protein (p.Ile66Val). This variant is present in population databases (rs779404585, gnomAD 0.003%), including at least one homozygous and/or hemizygous individual. This variant has not been reported in the literature in individuals affected with AP3B1-related conditions. ClinVar contains an entry for this variant (Variation ID: 354254). An algorithm developed to predict the effect of missense changes on protein structure and function (PolyPhen-2) suggests that this variant¬†is likely to be tolerated. In summary, the available evidence is currently insufficient to determine the role of this variant in disease. Therefore, it has been classified as a Variant of Uncertain Significance.

Illumina Laboratory Services, Illumina
Classification: Uncertain significance for Hermansky-Pudlak syndrome 2. Last evaluated: 2018-01-13. Review status: criteria provided, single submitter. Criteria: ICSL Variant Classification Criteria 13 December 2019. Collection method: clinical testing. Allele origin: germline.

NM_003664.5(AP3B1):c.196A>G (p.Ile66Val)

Gene: AP3B1 (adaptor related protein complex 3 subunit beta 1; minus strand). Cytogenetic location: 5q14.1.
Variant type: single nucleotide variant.
Coding change: c.196A>G on transcript NM_003664.5 (MANE Select); coding-DNA position 196, A replaced by G.
Protein change: p.Ile66Val; replaces isoleucine 66 with valine.
Molecular consequence: missense variant.
Genome position (GRCh38, 1-based): chr5:78,267,528, T>C on the plus strand (A>G on the coding strand, the complement: AP3B1 is on the minus strand). VCF-style: chr5-78267528-T-C. GRCh37 (hg19) VCF-style: chr5-77563352-T-C.
Other names: c.49A>G, p.Ile17Val (NM_001271769.2); short protein forms I66V, I17V.
Identifiers: ClinVar variation 354254 (VCV000354254.6), dbSNP rs779404585, ClinGen allele CA3317440.
Genomic context (GRCh38, chr5:78,267,528, plus strand): 5'-ATCACTGCTTGTCCATTTTTCCAAAATTGAAGTAAATGAGTATTTTACCTACCCCAACAA[T>C]CCGCTTCATAGCATCCAGTTTAGCAGAATCTTTGTTGCTCTCTAACATTTGCTTTAGATC-3'
Protein context (NP_003655.3, residues 56-76): DSAKLDAMKR[Ile66Val]VGMIAKGKNA